The following is an entry in ClinVar:

ClinVar aggregate classification (germline): Uncertain significance. Review status: criteria provided, multiple submitters, no conflicts (2 of 4 stars). 2 submissions from 2 submitters: Uncertain significance (2). Last evaluated 2024-05-26.

Conditions:
Inborn genetic diseases. Identifiers: MedGen C0950123, MeSH D030342.

gnomAD v4.1: 4 of 1,613,636 alleles (0.00025%); highest among the groups gnomAD compares: Non-Finnish European, 0.00025%; no homozygotes.

Submissions (2):

Ambry Genetics
Classification: Uncertain significance for Inborn genetic diseases. Last evaluated: 2024-05-26. Review status: criteria provided, single submitter. Criteria: Ambry Variant Classification Scheme 2023. Collection method: clinical testing. Allele origin: germline.

Labcorp Genetics (formerly Invitae), Labcorp
Classification: Uncertain significance. Last evaluated: 2022-06-12. Review status: criteria provided, single submitter. Criteria: Invitae Variant Classification Sherloc (09022015). Collection method: clinical testing. Allele origin: germline.
Comment: This sequence change replaces valine, which is neutral and non-polar, with methionine, which is neutral and non-polar, at codon 2392 of the PCNT protein (p.Val2392Met). This variant is present in population databases (rs200405245, gnomAD 0.0009%). This variant has not been reported in the literature in individuals affected with PCNT-related conditions. Algorithms developed to predict the effect of missense changes on protein structure and function output the following: SIFT: "Tolerated"; PolyPhen-2: "Benign"; Align-GVGD: "Class C0". The methionine amino acid residue is found in multiple mammalian species, which suggests that this missense change does not adversely affect protein function. In summary, the available evidence is currently insufficient to determine the role of this variant in disease. Therefore, it has been classified as a Variant of Uncertain Significance.

NM_006031.6(PCNT):c.7174G>A (p.Val2392Met)

Gene: PCNT (pericentrin; plus strand). Cytogenetic location: 21q22.3.
Variant type: single nucleotide variant.
Coding change: c.7174G>A on transcript NM_006031.6 (MANE Select); coding-DNA position 7174, G replaced by A.
Protein change: p.Val2392Met; replaces valine 2392 with methionine.
Molecular consequence: missense variant.
Genome position (GRCh38, 1-based): chr21:46,422,119, G>A. VCF-style: chr21-46422119-G-A. GRCh37 (hg19) VCF-style: chr21-47842033-G-A.
Other names: c.6820G>A, p.Val2274Met (NM_001315529.2); c.7174G>A (NM_006031.5); short protein forms V2274M, V2392M.
Identifiers: ClinVar variation 1924704 (VCV001924704.3), dbSNP rs200405245, ClinGen allele CA322006714.
Genomic context (GRCh38, chr21:46,422,119, plus strand): 5'-TCTGGAAGGTTTCAGCCGCTGCCGGAAGCCATGAAGGAGAAGGAAGTGCGTCCGAAGCAC[G>A]TGAAGGTATGGCTGGCAGGGGCGGCCCTCACAGCTTCACATGTGCAGCCTCGGGGCATCC-3'
Protein context (NP_006022.3, residues 2382-2402): MKEKEVRPKH[Val2392Met]KALLQMVRDE